The following is an entry in ClinVar:

ClinVar aggregate classification (germline): Uncertain significance (1 of 4 stars; one submission).

Conditions:
Hereditary sensory and autonomic neuropathy type 6. Also called: HSAN VI; Neuropathy, hereditary sensory and autonomic, type VI. Identifiers: Orphanet 314381, MedGen C3539003, MONDO:0013839, OMIM 614653.
Epidermolysis bullosa simplex 3, localized or generalized intermediate, with BP230 deficiency (EBS3). Also called: Epidermolysis bullosa simplex, autosomal recessive 2; Epidermolysis bullosa simplex due to BP230 deficiency. Identifiers: Orphanet 412181, MedGen C3809470, MONDO:0014180, OMIM 615425.

Submission:

Labcorp Genetics (formerly Invitae), Labcorp
Classification: Uncertain significance for Epidermolysis bullosa simplex 3, localized or generalized intermediate, with BP230 deficiency; Hereditary sensory and autonomic neuropathy type 6. Last evaluated: 2021-04-22. Review status: criteria provided, single submitter. Criteria: Invitae Variant Classification Sherloc (09022015). Collection method: clinical testing. Allele origin: germline.
Comment: This variant is not present in population databases (ExAC no frequency). This variant has not been reported in the literature in individuals with DST-related conditions. Algorithms developed to predict the effect of missense changes on protein structure and function are either unavailable or do not agree on the potential impact of this missense change (SIFT: "Tolerated"; PolyPhen-2: "Probably Damaging"; Align-GVGD: "Class C0"). This sequence change replaces threonine with serine at codon 23 of the DST protein (p.Thr23Ser). The threonine residue is weakly conserved and there is a small physicochemical difference between threonine and serine. In summary, the available evidence is currently insufficient to determine the role of this variant in disease. Therefore, it has been classified as a Variant of Uncertain Significance.

NM_001723.7(DST):c.67A>T (p.Thr23Ser)

Gene: DST (dystonin; minus strand). Cytogenetic location: 6p12.1.
Variant type: single nucleotide variant.
Coding change: c.67A>T on transcript NM_001723.7 (MANE Plus Clinical); coding-DNA position 67, A replaced by T.
Protein change: p.Thr23Ser; replaces threonine 23 with serine.
Molecular consequence: missense variant. On other transcripts: intron variant (9).
Genome position (GRCh38, 1-based): chr6:56,642,722, T>A on the plus strand (A>T on the coding strand, the complement: DST is on the minus strand). VCF-style: chr6-56642722-T-A. GRCh37 (hg19) VCF-style: chr6-56507520-T-A.
Other names: c.67A>T, p.Thr23Ser (NM_015548.5); c.1680-219A>T (NM_001144769.5); c.1779-219A>T (NM_001374722.1, NM_001374736.1); c.1806-219A>T (NM_001374734.1); c.1266-219A>T (NM_001144770.2); c.1146-219A>T (NM_001374730.1, NM_001386100.1, NM_183380.4 and 1 more transcripts); short protein forms T23S.
Identifiers: ClinVar variation 1349454 (VCV001349454.8), dbSNP rs1256647597, ClinGen allele CA364615617.